The following is an entry in ClinVar:

ClinVar aggregate classification (germline): Pathogenic (1 of 4 stars; one submission).

Submission:

CeGaT Center for Human Genetics Tuebingen
Classification: Pathogenic. Last evaluated: 2026-03-01. Review status: criteria provided, single submitter. Criteria: CeGaT Center For Human Genetics Tuebingen Variant Classification Criteria Version 2. Collection method: clinical testing. Allele origin: germline. Affected: yes. Observed: 1 variant allele.
Comment: SYNE1: PVS1, PM2

NM_182961.4(SYNE1):c.26095-2A>G

Gene: SYNE1 (spectrin repeat containing nuclear envelope protein 1; minus strand). Cytogenetic location: 6q25.2.
Variant type: single nucleotide variant.
Coding change: c.26095-2A>G on transcript NM_182961.4 (MANE Select); the canonical splice acceptor site of the intron before coding-DNA position 26095, A replaced by G.
Molecular consequence: splice acceptor variant. On other transcripts: intron variant (1).
Genome position (GRCh38, 1-based): chr6:152,130,780, T>C on the plus strand (A>G on the coding strand, the complement: SYNE1 is on the minus strand). VCF-style: chr6-152130780-T-C. GRCh37 (hg19) VCF-style: chr6-152451915-T-C.
Other names: c.25951-2A>G (NM_033071.5); c.2700+1342A>G (NM_001347701.2); c.2629-2A>G (NM_001347702.2).
Identifiers: ClinVar variation 4823685 (VCV004823685.4).